The following is an entry in ClinVar:

NM_139215.3(TAF15):c.1384G>A (p.Gly462Ser)

Gene: TAF15 (TATA-box binding protein associated factor 15; plus strand). Cytogenetic location: 17q12.
Variant type: single nucleotide variant.
Coding change: c.1384G>A on transcript NM_139215.3 (MANE Select); coding-DNA position 1384, G replaced by A.
Protein change: p.Gly462Ser; replaces glycine 462 with serine.
Molecular consequence: missense variant.
Genome position (GRCh38, 1-based): chr17:35,844,683, G>A. VCF-style: chr17-35844683-G-A. GRCh37 (hg19) VCF-style: chr17-34171687-G-A.
Other names: c.1375G>A, p.Gly459Ser (NM_003487.4); short protein forms G459S, G462S.
Identifiers: ClinVar variation 3051662 (VCV003051662.4), dbSNP rs372970936, ClinGen allele CA290041384.

ClinVar aggregate classification (germline): Uncertain significance. Review status: criteria provided, single submitter (1 of 4 stars). 2 submissions from 2 submitters: Uncertain significance (1). 1 of the submissions does not count toward it. Last evaluated 2025-12-05.

Conditions:
TAF15-related disorder. Also called: TAF15-related condition.

Allele frequency attached by ClinVar (database versions not stated): gnomAD exomes 0.00003; ExAC 0.00002; TOPMed 0.00005; ESP Exome Variant Server 0.00015; gnomAD 0.00003.
gnomAD v4.1: 45 of 1,600,732 alleles (0.0028%); highest among the groups gnomAD compares: Non-Finnish European, 0.0036%; no homozygotes.

Submissions (2):

GeneDx
Classification: Uncertain significance. Last evaluated: 2025-12-05. Review status: criteria provided, single submitter. Criteria: GeneDx Variant Classification Process June 2021. Collection method: clinical testing. Allele origin: germline.
Comment: Reported previously in a patient with progressive cognitive impairment, behavioral disturbances, psychotic symptoms, parkinsonism, and ALS (PMID: 28889094); In silico analysis supports that this missense variant has a deleterious effect on protein structure/function; This variant is associated with the following publications: (PMID: 30357887, 28889094, 33576076)

PreventionGenetics, part of Exact Sciences
Classification: Uncertain significance for TAF15-related condition. Last evaluated: 2024-09-04. Review status: no assertion criteria provided. Collection method: clinical testing. Allele origin: germline. Not counted in ClinVar's aggregate classification.
Comment: The TAF15 c.1384G>A variant is predicted to result in the amino acid substitution p.Gly462Ser. This variant has been reported in an individual with a clinical diagnosis of amyotrophic lateral sclerosis/frontotemporal dementia (ALS/FTD) who was negative for repeat expansion variants in the C9orf72 gene (Table 1, Dols-Icardo et al. 2018. PubMed ID: 28889094). This variant is reported in 0.0079% of alleles in individuals of European (non-Finnish) descent in gnomAD. At this time, the clinical significance of this variant is uncertain due to the absence of conclusive functional and genetic evidence.